The following is an entry in ClinVar:

ClinVar aggregate classification (germline): Likely benign. Review status: criteria provided, multiple submitters, no conflicts (2 of 4 stars). 5 submissions from 5 submitters: Likely benign (4). 1 of the submissions does not count toward it. Last evaluated 2025-05-01.

Conditions:
Breast-ovarian cancer, familial, susceptibility to, 4. Identifiers: Orphanet 145, MedGen C3280345, MONDO:0013669, OMIM 614291.
RAD51D-related disorder. Also called: RAD51D-related condition.
Hereditary cancer-predisposing syndrome. Also called: Hereditary neoplastic syndrome; Neoplastic Syndromes, Hereditary; Hereditary Cancer Syndrome; Tumor predisposition. Identifiers: Orphanet 140162, MedGen C0027672, MeSH D009386, MONDO:0015356.

Allele frequency attached by ClinVar (database versions not stated): gnomAD exomes 0.00010 and 0.00048; gnomAD 0.00016 and 0.00023; TOPMed 0.00020; ExAC 0.00030; 1000 Genomes Project 30x 0.00187; 1000 Genomes Project 0.00220.
gnomAD v4.1: 187 of 1,612,642 alleles (0.012%); highest among the groups gnomAD compares: East Asian, 0.31%; no homozygotes.

Submissions (5):

CeGaT Center for Human Genetics Tuebingen
Classification: Likely benign. Last evaluated: 2025-05-01. Review status: criteria provided, single submitter. Criteria: CeGaT Center For Human Genetics Tuebingen Variant Classification Criteria Version 2. Collection method: clinical testing. Allele origin: germline. Affected: yes. Observed: 3 variant alleles.
Comment: RAD51D: BP4, BS1

Blueprint Genetics
Classification: Likely benign. Last evaluated: 2024-08-15. Review status: criteria provided, single submitter. Criteria: ACMG Guidelines, 2015. Collection method: clinical testing. Allele origin: germline.

ARUP Laboratories, Molecular Genetics and Genomics, ARUP Laboratories
Classification: Likely benign for Breast-ovarian cancer, familial, susceptibility to, 4. Last evaluated: 2024-05-22. Review status: criteria provided, single submitter. Criteria: ARUP Molecular Germline Variant Investigation Process 2024. Collection method: clinical testing. Allele origin: germline.

Color Diagnostics, LLC DBA Color Health
Classification: Likely benign for Hereditary cancer-predisposing syndrome. Last evaluated: 2015-04-21. Review status: criteria provided, single submitter. Criteria: ACMG Guidelines, 2015. Collection method: clinical testing. Allele origin: germline.

PreventionGenetics, part of Exact Sciences
Classification: Likely benign for RAD51D-related condition. Last evaluated: 2019-04-19. Review status: no assertion criteria provided. Collection method: clinical testing. Allele origin: germline. Not counted in ClinVar's aggregate classification.
Comment: This variant is classified as likely benign based on ACMG/AMP sequence variant interpretation guidelines (Richards et al. 2015 PMID: 25741868, with internal and published modifications).

NM_002878.4(RAD51D):c.263+1474C>T

Genes: RAD51D (RAD51 paralog D; minus strand), RAD51L3-RFFL (RAD51L3-RFFL readthrough; minus strand). Cytogenetic location: 17q12.
Variant type: single nucleotide variant.
Coding change: c.263+1474C>T on transcript NM_002878.4 (MANE Select); 1474 bases into the intron after coding-DNA position 263, C replaced by T.
Molecular consequence: intron variant. On other transcripts: missense variant (1).
Genome position (GRCh38, 1-based): chr17:35,117,027, G>A on the plus strand (C>T on the coding strand, the complement: RAD51D is on the minus strand). VCF-style: chr17-35117027-G-A. GRCh37 (hg19) VCF-style: chr17-33444046-G-A.
Other names: c.155C>T (NM_001142571.1); c.155C>T, p.Ala52Val (NM_001142571.2); c.144+2084C>T (NM_133629.3); short protein forms A52V.
Identifiers: ClinVar variation 492414 (VCV000492414.36), dbSNP rs201720876, ClinGen allele CA8499598.